The following is an entry in ClinVar:

NM_001267550.2(TTN):c.61023T>G (p.Tyr20341Ter)

Genes: TTN (titin; minus strand), TTN-AS1 (TTN antisense RNA 1; plus strand). Cytogenetic location: 2q31.2.
Variant type: single nucleotide variant.
Coding change: c.61023T>G on transcript NM_001267550.2 (MANE Select); coding-DNA position 61023, T replaced by G.
Protein change: p.Tyr20341Ter; replaces tyrosine 20341 with a stop codon.
Molecular consequence: nonsense.
Genome position (GRCh38, 1-based): chr2:178,590,702, A>C on the plus strand (T>G on the coding strand, the complement: TTN is on the minus strand). VCF-style: chr2-178590702-A-C. GRCh37 (hg19) VCF-style: chr2-179455429-A-C.
Other names: c.56100T>G, p.Tyr18700Ter (NM_001256850.1); c.33828T>G, p.Tyr11276Ter (NM_003319.4); c.53319T>G, p.Tyr17773Ter (NM_133378.4); c.34203T>G, p.Tyr11401Ter (NM_133432.3); c.34404T>G, p.Tyr11468Ter (NM_133437.4); short protein forms Y11276*, Y11401*, Y11468*, Y17773*, Y18700*, Y20341*.
Identifiers: ClinVar variation 3759913 (VCV003759913.2).
Genomic context (GRCh38, chr2:178,590,702, plus strand): 5'-ATCAGAACTTGGGGATGGTTTGCTTAGTCCTGCAAGATTTTCAGCAAAAACTCTAAACTC[A>C]TATGTATTTCCTTCATAGAGTCCAGTCACTCTGAACTTCAGGTCAGCGATAGGTGTTTTG-3'

ClinVar aggregate classification (germline): Likely pathogenic (1 of 4 stars; one submission).

Conditions:
Dilated cardiomyopathy 1G (CMD1G). Identifiers: Orphanet 154, MedGen C1858763, MONDO:0011400, OMIM 604145.
Autosomal recessive limb-girdle muscular dystrophy type 2J (LGMDR10). Also called: Limb-girdle muscular dystrophy, type 2J; MUSCULAR DYSTROPHY, LIMB-GIRDLE, AUTOSOMAL RECESSIVE 10. Identifiers: Orphanet 140922, MedGen C1837342, MONDO:0012127, OMIM 608807.

Submission:

Labcorp Genetics (formerly Invitae), Labcorp
Classification: Likely pathogenic for Dilated cardiomyopathy 1G; Autosomal recessive limb-girdle muscular dystrophy type 2J. Last evaluated: 2024-11-27. Review status: criteria provided, single submitter. Criteria: Invitae Variant Classification Sherloc (09022015). Collection method: clinical testing. Allele origin: germline.
Comment: This sequence change creates a premature translational stop signal (p.Tyr20341*) in the TTN gene. While this is not anticipated to result in nonsense mediated decay, it is expected to create a truncated TTN protein. This variant is not present in population databases (gnomAD no frequency). This variant has not been reported in the literature in individuals affected with TTN-related conditions. This variant is located in the A band of TTN (PMID: 25589632). Truncating variants in this region are significantly overrepresented in patients affected with dilated cardiomyopathy (PMID: 25589632). Truncating variants in this region have also been reported in individuals affected with autosomal recessive centronuclear myopathy (PMID: 23975875). In summary, the currently available evidence indicates that the variant is pathogenic, but additional data are needed to prove that conclusively. Therefore, this variant has been classified as Likely Pathogenic.

Literature cited by the submitters: PubMed 25589632; PubMed 23975875.